The following is an entry in ClinVar:

NM_145207.3(AFG2A):c.1417G>C (p.Val473Leu)

Gene: AFG2A (AAA ATPase AFG2A; plus strand). Cytogenetic location: 4q28.1.
Variant type: single nucleotide variant.
Coding change: c.1417G>C on transcript NM_145207.3 (MANE Select); coding-DNA position 1417, G replaced by C.
Protein change: p.Val473Leu; replaces valine 473 with leucine.
Molecular consequence: missense variant.
Genome position (GRCh38, 1-based): chr4:122,938,208, G>C. VCF-style: chr4-122938208-G-C. GRCh37 (hg19) VCF-style: chr4-123859363-G-C.
Other names: c.1414G>C, p.Val472Leu (NM_001317799.2, NM_001345856.2); short protein forms V472L, V473L.
Identifiers: ClinVar variation 1022562 (VCV001022562.4), dbSNP rs1729204667, ClinGen allele CA358106294.
Genomic context (GRCh38, chr4:122,938,208, plus strand): 5'-GATGAGCTGGATGCACTTTGTCCGAAAAGAGAGGGGGCCCAGAATGAAGTGGAAAAAAGA[G>C]TTGTGGCTTCACTCTTAACACTGATGGATGGCATTGGTTCAGTAAGTATAGCACTAGTAT-3'
Protein context (NP_660208.2, residues 463-483): EGAQNEVEKR[Val473Leu]VASLLTLMDG

ClinVar aggregate classification (germline): Uncertain significance (1 of 4 stars; one submission).

Conditions:
Microcephaly-intellectual disability-sensorineural hearing loss-epilepsy-abnormal muscle tone syndrome (NEDHSB). Also called: NEURODEVELOPMENTAL DISORDER WITH HEARING LOSS, SEIZURES, AND BRAIN ABNORMALITIES. Identifiers: Orphanet 457351, MedGen C4225276, MONDO:0014698, OMIM 616577.

Submission:

Labcorp Genetics (formerly Invitae), Labcorp
Classification: Uncertain significance for Microcephaly-intellectual disability-sensorineural hearing loss-epilepsy-abnormal muscle tone syndrome. Last evaluated: 2020-02-17. Review status: criteria provided, single submitter. Criteria: Invitae Variant Classification Sherloc (09022015). Collection method: clinical testing. Allele origin: germline.
Comment: In summary, the available evidence is currently insufficient to determine the role of this variant in disease. Therefore, it has been classified as a Variant of Uncertain Significance. Algorithms developed to predict the effect of missense changes on protein structure and function are either unavailable or do not agree on the potential impact of this missense change (SIFT: "Deleterious"; PolyPhen-2: "Benign"; Align-GVGD: "Class C25"). This variant has not been reported in the literature in individuals with SPATA5-related conditions. This variant is not present in population databases (ExAC no frequency). This sequence change replaces valine with leucine at codon 473 of the SPATA5 protein (p.Val473Leu). The valine residue is highly conserved and there is a small physicochemical difference between valine and leucine.